The following is an entry in ClinVar:

NM_001204.7(BMPR2):c.2728T>C (p.Cys910Arg)

Gene: BMPR2 (bone morphogenetic protein receptor type 2; plus strand). Cytogenetic location: 2q33.2.
Variant type: single nucleotide variant.
Coding change: c.2728T>C on transcript NM_001204.7 (MANE Select); coding-DNA position 2728, T replaced by C.
Protein change: p.Cys910Arg; replaces cysteine 910 with arginine.
Molecular consequence: missense variant.
Genome position (GRCh38, 1-based): chr2:202,556,393, T>C. VCF-style: chr2-202556393-T-C. GRCh37 (hg19) VCF-style: chr2-203421116-T-C.
Other names: short protein forms C910R.
Identifiers: ClinVar variation 4597013 (VCV004597013.1).

ClinVar aggregate classification (germline): Uncertain significance (1 of 4 stars; one submission).

Conditions:
Inborn genetic diseases. Identifiers: MedGen C0950123, MeSH D030342.

gnomAD v4.1: 1 of 1,614,168 alleles (0.000062%); highest among the groups gnomAD compares: East Asian, 0.0022%; no homozygotes.

Submission:

Ambry Genetics
Classification: Uncertain significance for Inborn genetic diseases. Last evaluated: 2025-09-19. Review status: criteria provided, single submitter. Criteria: Ambry Variant Classification Scheme 2023. Collection method: clinical testing. Allele origin: germline.
Comment: The p.C910R variant (also known as c.2728T>C), located in coding exon 12 of the BMPR2 gene, results from a T to C substitution at nucleotide position 2728. The cysteine at codon 910 is replaced by arginine, an amino acid with highly dissimilar properties. This amino acid position is conserved. In addition, this alteration is predicted to be tolerated by in silico analysis. Based on the available evidence, the clinical significance of this variant remains unclear.